The following is an entry in ClinVar:

ClinVar aggregate classification (germline): Pathogenic. Review status: criteria provided, multiple submitters, no conflicts (2 of 4 stars). 3 submissions from 3 submitters: Pathogenic (3). Last evaluated 2026-05-08.

Conditions:
Polycystic kidney disease, adult type (PKD1). Also called: Polycystic Kidney Disease 1, Autosomal Dominant; Polycystic kidney disease 1; Polycystic kidney disease 1, severe; POLYCYSTIC KIDNEY DISEASE 1 WITH OR WITHOUT POLYCYSTIC LIVER DISEASE; Polycystic Kidney, Autosomal Dominant; POLYCYSTIC KIDNEY DISEASE, ADULT, TYPE I. Identifiers: MedGen C3149841, MONDO:0008263, OMIM 173900.

Submissions (3):

Women's Health and Genetics/Laboratory Corporation of America, LabCorp
Classification: Pathogenic for Polycystic kidney disease, adult type. Last evaluated: 2026-05-08. Review status: criteria provided, single submitter. Criteria: LabCorp Variant Classification Summary - May 2015. Collection method: clinical testing. Allele origin: germline.
Comment: Variant summary: PKD1 c.215+2_215+3delTG is located in a canonical splice-site and is predicted to affect mRNA splicing, resulting in a significantly altered protein due to either exon skipping, shortening, or inclusion of intronic material. Variants that disrupt the consensus splice site are a relatively common cause of aberrant splicing and loss of PKD1 function. Several computational tools predict a significant impact on normal splicing: Four predict that the variant abolishes a 5' splicing donor site. One predicts the variant strengthens a cryptic 5' donor site. However, these predictions have yet to be confirmed by functional studies. The variant was absent in 1167292 control chromosomes. c.215+2_215+3delTG has been observed in an individual from a clinical kidney disease testing cohort (Bleyer_2022). This report does not provide unequivocal conclusions about the association of the variant with Polycystic Kidney Disease 1. To our knowledge, no experimental evidence demonstrating an impact on protein function has been reported. A different splice variant affecting the canonical splice donor site (c.215+2T>G) has been classified as Pathogenic by our lab. The following publication has been ascertained in the context of this evaluation (PMID: 35325889). ClinVar contains an entry for this variant (Variation ID: 872317). Based on the evidence outlined above, the variant was classified as pathogenic.

Fulgent Genetics
Classification: Pathogenic for Polycystic kidney disease, adult type. Last evaluated: 2024-05-28. Review status: criteria provided, single submitter. Criteria: ACMG Guidelines, 2015. Collection method: clinical testing. Allele origin: germline.

CeGaT Center for Human Genetics Tuebingen
Classification: Pathogenic. Last evaluated: 2019-12-01. Review status: criteria provided, single submitter. Criteria: CeGaT Center For Human Genetics Tuebingen Variant Classification Criteria Version 2. Collection method: clinical testing. Allele origin: germline. Affected: yes. Observed: 1 variant allele.

Literature cited by the submitters: PubMed 35325889 (cited by Women's Health and Genetics/Laboratory Corporation of America, LabCorp).

NM_001009944.3(PKD1):c.215+2_215+3del

Gene: PKD1 (polycystin 1, transient receptor potential channel interacting; minus strand). Cytogenetic location: 16p13.3.
Variant type: Microsatellite.
Coding change: c.215+2_215+3del on transcript NM_001009944.3 (MANE Select); the canonical splice donor site of the intron after coding-DNA position 215 through 3 bases into the intron after coding-DNA position 215, 2 bases deleted (TG; older notation c.215+2_215+3delTG).
Molecular consequence: splice donor variant.
Genome position (GRCh38, 1-based): chr16:2,135,472-2,135,473, CA deleted on the plus strand (TG on the coding strand, the reverse complement: PKD1 is on the minus strand); deleting any 2 consecutive bases within chr16:2,135,472-2,135,475 gives the same sequence; the c. name uses the placement nearest the transcript's 3' end. VCF-style (leftmost placement, unchanged base first): chr16-2135471-TCA-T. GRCh37 (hg19) VCF-style: chr16-2185472-TCA-T.
Other names: c.215+2_215+3del (NM_000296.4); c.215+2_215+3delTG (NM_001009944.3).
Identifiers: ClinVar variation 872317 (VCV000872317.46), dbSNP rs2092939625, ClinGen allele CA1139664411.